The following is an entry in ClinVar:

ClinVar aggregate classification (germline): Conflicting classifications of pathogenicity. Review status: criteria provided, conflicting classifications (1 of 4 stars). 3 submissions from 3 submitters: Uncertain significance (2); Likely benign (1). Last evaluated 2025-09-24.

Conditions:
Inborn genetic diseases. Identifiers: MedGen C0950123, MeSH D030342.

gnomAD v4.1: 12 of 1,614,150 alleles (0.00074%); highest among the groups gnomAD compares: Non-Finnish European, 0.001%; 1 homozygote.

Submissions (3):

Ambry Genetics
Classification: Uncertain significance for Inborn genetic diseases. Last evaluated: 2025-09-24. Review status: criteria provided, single submitter. Criteria: Ambry Variant Classification Scheme 2023. Collection method: clinical testing. Allele origin: germline.

CeGaT Center for Human Genetics Tuebingen
Classification: Uncertain significance. Last evaluated: 2025-07-01. Review status: criteria provided, single submitter. Criteria: CeGaT Center For Human Genetics Tuebingen Variant Classification Criteria Version 2. Collection method: clinical testing. Allele origin: germline. Affected: yes. Observed: 1 variant allele.
Comment: WDR45B: PM2, PM3:Supporting

Blueprint Genetics
Classification: Likely benign. Last evaluated: 2024-09-23. Review status: criteria provided, single submitter. Criteria: ACMG Guidelines, 2015. Collection method: clinical testing. Allele origin: germline.

NM_019613.4(WDR45B):c.733A>G (p.Ile245Val)

Gene: WDR45B (WD repeat domain 45B; minus strand). Cytogenetic location: 17q25.3.
Variant type: single nucleotide variant.
Coding change: c.733A>G on transcript NM_019613.4 (MANE Select); coding-DNA position 733, A replaced by G.
Protein change: p.Ile245Val; replaces isoleucine 245 with valine.
Molecular consequence: missense variant.
Genome position (GRCh38, 1-based): chr17:82,617,369, T>C on the plus strand (A>G on the coding strand, the complement: WDR45B is on the minus strand). VCF-style: chr17-82617369-T-C. GRCh37 (hg19) VCF-style: chr17-80575245-T-C.
Other names: c.733A>G (NM_019613.3); short protein forms I245V.
Identifiers: ClinVar variation 4083958 (VCV004083958.9).